The following is an entry in ClinVar:

NM_017802.4(DNAAF5):c.1342C>T (p.Pro448Ser)

Gene: DNAAF5 (dynein axonemal assembly factor 5; plus strand). Cytogenetic location: 7p22.3.
Variant type: single nucleotide variant.
Coding change: c.1342C>T on transcript NM_017802.4 (MANE Select); coding-DNA position 1342, C replaced by T.
Protein change: p.Pro448Ser; replaces proline 448 with serine.
Molecular consequence: missense variant. On other transcripts: non-coding transcript variant (1).
Genome position (GRCh38, 1-based): chr7:756,866, C>T. VCF-style: chr7-756866-C-T. GRCh37 (hg19) VCF-style: chr7-796503-C-T.
Other names: short protein forms P448S.
Identifiers: ClinVar variation 934585 (VCV000934585.12), dbSNP rs751643186, ClinGen allele CA4110696.

ClinVar aggregate classification (germline): Uncertain significance. Review status: criteria provided, multiple submitters, no conflicts (2 of 4 stars). 2 submissions from 2 submitters: Uncertain significance (2). Last evaluated 2025-08-26.

Conditions:
Primary ciliary dyskinesia. Also called: Ciliary dyskinesia. Identifiers: Orphanet 244, MedGen C0008780, MONDO:0016575, HP:0012265.

Allele frequency attached by ClinVar (database versions not stated): gnomAD 0.00001 and 0.00002; TOPMed 0.00001; ExAC 0.00003; gnomAD exomes 0.00005.
gnomAD v4.1: 39 of 1,613,736 alleles (0.0024%); highest among the groups gnomAD compares: South Asian, 0.025%; no homozygotes.

Submissions (2):

Ambry Genetics
Classification: Uncertain significance for Primary ciliary dyskinesia. Last evaluated: 2025-08-26. Review status: criteria provided, single submitter. Criteria: Ambry Variant Classification Scheme 2023. Collection method: clinical testing. Allele origin: germline.

Labcorp Genetics (formerly Invitae), Labcorp
Classification: Uncertain significance for Primary ciliary dyskinesia. Last evaluated: 2024-05-21. Review status: criteria provided, single submitter. Criteria: Invitae Variant Classification Sherloc (09022015). Collection method: clinical testing. Allele origin: germline.
Comment: This sequence change replaces proline, which is neutral and non-polar, with serine, which is neutral and polar, at codon 448 of the DNAAF5 protein (p.Pro448Ser). This variant is present in population databases (rs751643186, gnomAD 0.03%). This variant has not been reported in the literature in individuals affected with DNAAF5-related conditions. ClinVar contains an entry for this variant (Variation ID: 934585). Advanced modeling of protein sequence and biophysical properties (such as structural, functional, and spatial information, amino acid conservation, physicochemical variation, residue mobility, and thermodynamic stability) performed at Invitae indicates that this missense variant is not expected to disrupt DNAAF5 protein function with a negative predictive value of 80%. In summary, the available evidence is currently insufficient to determine the role of this variant in disease. Therefore, it has been classified as a Variant of Uncertain Significance.